The following is an entry in ClinVar:

ClinVar aggregate classification (germline): Uncertain significance (1 of 4 stars; one submission).

Allele frequency attached by ClinVar (database versions not stated): TOPMed 0.00002; ESP Exome Variant Server 0.00008.
gnomAD v4.1: 13 of 1,613,894 alleles (0.00081%); highest among the groups gnomAD compares: African/African-American, 0.013%; no homozygotes.

Submission:

Labcorp Genetics (formerly Invitae), Labcorp
Classification: Uncertain significance. Last evaluated: 2022-07-12. Review status: criteria provided, single submitter. Criteria: Invitae Variant Classification Sherloc (09022015). Collection method: clinical testing. Allele origin: germline.
Comment: This sequence change replaces proline, which is neutral and non-polar, with serine, which is neutral and polar, at codon 921 of the COL9A1 protein (p.Pro921Ser). This variant is present in population databases (rs374561398, gnomAD 0.02%). This variant has not been reported in the literature in individuals affected with COL9A1-related conditions. ClinVar contains an entry for this variant (Variation ID: 1043915). Advanced modeling of protein sequence and biophysical properties (such as structural, functional, and spatial information, amino acid conservation, physicochemical variation, residue mobility, and thermodynamic stability) performed at Invitae indicates that this missense variant is not expected to disrupt COL9A1 protein function. In summary, the available evidence is currently insufficient to determine the role of this variant in disease. Therefore, it has been classified as a Variant of Uncertain Significance.

NM_001851.6(COL9A1):c.2761C>T (p.Pro921Ser)

Gene: COL9A1 (collagen type IX alpha 1 chain; minus strand). Cytogenetic location: 6q13.
Variant type: single nucleotide variant.
Coding change: c.2761C>T on transcript NM_001851.6 (MANE Select); coding-DNA position 2761, C replaced by T.
Protein change: p.Pro921Ser; replaces proline 921 with serine.
Molecular consequence: missense variant. On other transcripts: non-coding transcript variant (1).
Genome position (GRCh38, 1-based): chr6:70,216,902, G>A on the plus strand (C>T on the coding strand, the complement: COL9A1 is on the minus strand). VCF-style: chr6-70216902-G-A. GRCh37 (hg19) VCF-style: chr6-70926605-G-A.
Other names: c.2062C>T, p.Pro688Ser (NM_001377289.1); c.1885C>T, p.Pro629Ser (NM_001377290.1); c.2032C>T, p.Pro678Ser (NM_078485.4); short protein forms P688S, P921S, P629S, P678S.
Identifiers: ClinVar variation 1043915 (VCV001043915.5), dbSNP rs374561398, ClinGen allele CA3881683.
Genomic context (GRCh38, chr6:70,216,902, plus strand): 5'-CCAGGCTCCTTCACCAGGCGTGGTTCATGCAGACAGCCATGCAGCAGTAAGCCTTTCAAG[G>A]GTCAGGCCCTTTGTTAAATGCTCGCTGACCAGCCTGCATGGTGCAGGAGGCTGGCTCACA-3'
Protein context (NP_001842.3, residues 911-921): GQRAFNKGPD[Pro921Ser]